The following is an entry in ClinVar:

NM_001103.4(ACTN2):c.1107+33A>C

Gene: ACTN2 (actinin alpha 2; plus strand). Cytogenetic location: 1q43.
Variant type: single nucleotide variant.
Coding change: c.1107+33A>C on transcript NM_001103.4 (MANE Select); 33 bases into the intron after coding-DNA position 1107, A replaced by C.
Molecular consequence: intron variant.
Genome position (GRCh38, 1-based): chr1:236,739,565, A>C. VCF-style: chr1-236739565-A-C. GRCh37 (hg19) VCF-style: chr1-236902865-A-C.
Other names: c.483+33A>C (NM_001278344.2); c.1107+33A>C (NM_001278343.2).
Identifiers: ClinVar variation 671062 (VCV000671062.6), dbSNP rs2288602, ClinGen allele CA1473050.
Genomic context (GRCh38, chr1:236,739,565, plus strand): 5'-CATGCCCTCCGAGGGCAAGATGGTGTCGGTGAGTAGCAAGCGCCAAGCCCTCCTGGCGCC[A>C]CGGGAAGCCCTCCTTCTAGCCTAAAGGCGTTTGACCTGGGTCAGGAGGAGGCATTGACTT-3'

ClinVar aggregate classification (germline): Benign. Review status: criteria provided, multiple submitters, no conflicts (2 of 4 stars). 4 submissions from 4 submitters: Benign (4). Last evaluated 2026-09-21.

Conditions:
Myopathy, congenital, with structured cores and z-line abnormalities. Also called: MULTIPLE STRUCTURED CORE DISEASE; CONGENITAL MYOPATHY 8. Identifiers: MedGen C5231445, MONDO:0032852, OMIM 618654.

Allele frequency attached by ClinVar (database versions not stated): gnomAD 0.51047 and 0.50667; gnomAD exomes 0.64004 and 0.58023; 1000 Genomes Project 30x 0.41365; 1000 Genomes Project 0.42272; TOPMed 0.47950; ESP Exome Variant Server 0.50015; ExAC 0.58537.
gnomAD v4.1: 1,007,231 of 1,607,840 alleles (63%); highest among the groups gnomAD compares: Non-Finnish European, 67%; 326,159 homozygotes.

Submissions (4):

Molecular Diagnostic Laboratory for Inherited Cardiovascular Disease, Montreal Heart Institute
Classification: Benign. Last evaluated: 2026-09-21. Review status: criteria provided, single submitter. Criteria: ACMG Guidelines, 2015. Collection method: clinical testing. Allele origin: germline. Affected: no.
Comment: BA1

Genome-Nilou Lab
Classification: Benign for Myopathy, congenital, with structured cores and z-line abnormalities. Last evaluated: 2021-07-14. Review status: criteria provided, single submitter. Criteria: ACMG Guidelines, 2015. Collection method: clinical testing. Allele origin: germline. Affected: no.

GeneDx
Classification: Benign. Last evaluated: 2018-06-14. Review status: criteria provided, single submitter. Criteria: GeneDx Variant Classification (06012015). Collection method: clinical testing. Allele origin: germline. Affected: yes.
Comment: This variant is considered likely benign or benign based on one or more of the following criteria: it is a conservative change, it occurs at a poorly conserved position in the protein, it is predicted to be benign by multiple in silico algorithms, and/or has population frequency not consistent with disease.

Breakthrough Genomics
Classification: Benign. Review status: criteria provided, single submitter. Criteria: ACMG Guidelines, 2015. Collection method: not provided. Allele origin: germline. Inheritance: Autosomal dominant inheritance. Affected: yes.